The following is an entry in ClinVar:

ClinVar aggregate classification (germline): Uncertain significance (1 of 4 stars; one submission).

Conditions:
Hereditary spastic paraplegia 50 (SPG50). Also called: Spastic paraplegia 50, autosomal recessive. Identifiers: Orphanet 280763, MedGen C2752008, MONDO:0013048, OMIM 612936.

Allele frequency attached by ClinVar (database versions not stated): gnomAD 0.00003 and 0.00004; ExAC 0.00008; 1000 Genomes Project 30x 0.00016; 1000 Genomes Project 0.00020.

Submission:

Labcorp Genetics (formerly Invitae), Labcorp
Classification: Uncertain significance for Hereditary spastic paraplegia 50. Last evaluated: 2022-02-03. Review status: criteria provided, single submitter. Criteria: Invitae Variant Classification Sherloc (09022015). Collection method: clinical testing. Allele origin: germline.
Comment: This sequence change replaces arginine, which is basic and polar, with tryptophan, which is neutral and slightly polar, at codon 297 of the AP4M1 protein (p.Arg297Trp). This variant is present in population databases (rs199982051, gnomAD 0.06%). This variant has not been reported in the literature in individuals affected with AP4M1-related conditions. ClinVar contains an entry for this variant (Variation ID: 1062835). Algorithms developed to predict the effect of missense changes on protein structure and function (SIFT, PolyPhen-2, Align-GVGD) all suggest that this variant is likely to be disruptive. In summary, the available evidence is currently insufficient to determine the role of this variant in disease. Therefore, it has been classified as a Variant of Uncertain Significance.

NM_004722.4(AP4M1):c.889C>T (p.Arg297Trp)

Gene: AP4M1 (adaptor related protein complex 4 subunit mu 1; plus strand). Cytogenetic location: 7q22.1.
Variant type: single nucleotide variant.
Coding change: c.889C>T on transcript NM_004722.4 (MANE Select); coding-DNA position 889, C replaced by T.
Protein change: p.Arg297Trp; replaces arginine 297 with tryptophan.
Molecular consequence: missense variant.
Genome position (GRCh38, 1-based): chr7:100,105,499, C>T. VCF-style: chr7-100105499-C-T. GRCh37 (hg19) VCF-style: chr7-99703122-C-T.
Other names: c.910C>T, p.Arg304Trp (NM_001363671.2); short protein forms R297W, R304W.
Identifiers: ClinVar variation 1062835 (VCV001062835.7), dbSNP rs199982051, ClinGen allele CA4374848.
Genomic context (GRCh38, chr7:100,105,499, plus strand): 5'-TCTCAGCTGACTGTGATGCGGTACCAACTCTCCGATGACCTCCCCTCACCGCTCCCCTTC[C>T]GGCTCTTCCCCTCTGTGCAGTGGGACCGAGGCTCAGGCCGGTGAGACAATTTCCTGGGTT-3'
Protein context (NP_004713.2, residues 287-307): SDDLPSPLPF[Arg297Trp]LFPSVQWDRG